The following is an entry in ClinVar:

NM_001009944.3(PKD1):c.7625G>A (p.Gly2542Asp)

Gene: PKD1 (polycystin 1, transient receptor potential channel interacting; minus strand). Cytogenetic location: 16p13.3.
Variant type: single nucleotide variant.
Coding change: c.7625G>A on transcript NM_001009944.3 (MANE Select); coding-DNA position 7625, G replaced by A.
Protein change: p.Gly2542Asp; replaces glycine 2542 with aspartic acid.
Molecular consequence: missense variant.
Genome position (GRCh38, 1-based): chr16:2,106,169, C>T on the plus strand (G>A on the coding strand, the complement: PKD1 is on the minus strand). VCF-style: chr16-2106169-C-T. GRCh37 (hg19) VCF-style: chr16-2156170-C-T.
Other names: c.7625G>A, p.Gly2542Asp (NM_000296.4); short protein forms G2542D.
Identifiers: ClinVar variation 1807322 (VCV001807322.3), dbSNP rs2544777646, ClinGen allele CA394368467.

ClinVar aggregate classification (germline): Uncertain significance. Review status: criteria provided, multiple submitters, no conflicts (2 of 4 stars). 3 submissions from 3 submitters: Uncertain significance (3). Last evaluated 2026-09-10.

Conditions:
Cystic renal disease.
PKD1-related disorder. Also called: PKD1-related condition.

Submissions (3):

PreventionGenetics, part of Exact Sciences
Classification: Uncertain significance for PKD1-related condition. Last evaluated: 2026-09-10. Review status: criteria provided, single submitter. Criteria: ACMG Guidelines, 2015. Collection method: clinical testing. Allele origin: germline.
Comment: The PKD1 c.7625G>A variant is predicted to result in the amino acid substitution p.Gly2542Asp. To our knowledge, this variant has not been reported in the literature or in a large population database (gnomAD), indicating this variant is rare. Of note, this variant has been found in three unrelated individuals with cystic kidney disease at PreventionGenetics (internal data). In addition, different amino acid substitutions at the same codon have been reported in individuals with polycystic kidney disease (PKD) (p.Gly2542Cys in Supp Table 1 of Yu et al. 2022. PubMed ID: 35778421; p.Gly2542Val in Qiu et al. 2019. PubMed ID: 31030424). Although we suspect that the c.7625G>A (p.Gly2542Asp) variant is pathogenic, at this time, the clinical significance of this variant is uncertain due to the absence of conclusive functional and genetic evidence.

Genetics Laboratory, Great Ormond Street Hospital NHS Foundation Trust, North Thames Genomic Laboratory Hub
Classification: Uncertain significance for Cystic renal disease. Last evaluated: 2025-07-21. Review status: criteria provided, single submitter. Criteria: ACGS Best Practice Guidelines for Variant Classification in Rare Disease 2024 v1.2. Collection method: clinical testing. Allele origin: germline. Affected: yes.
Comment: PM2_moderate, PP3_supporting, PP4_supporting

Athena Diagnostics
Classification: Uncertain significance. Last evaluated: 2022-05-20. Review status: criteria provided, single submitter. Criteria: Athena Diagnostics Criteria. Collection method: clinical testing. Allele origin: unknown.